The following is an entry in ClinVar:

NM_001330260.2(SCN8A):c.669G>C (p.Arg223Ser)

Gene: SCN8A (sodium voltage-gated channel alpha subunit 8; plus strand). Cytogenetic location: 12q13.13.
Variant type: single nucleotide variant.
Coding change: c.669G>C on transcript NM_001330260.2 (MANE Select); coding-DNA position 669, G replaced by C.
Protein change: p.Arg223Ser; replaces arginine 223 with serine.
Molecular consequence: missense variant. On other transcripts: intron variant (2).
Genome position (GRCh38, 1-based): chr12:51,689,059, G>C. VCF-style: chr12-51689059-G-C. GRCh37 (hg19) VCF-style: chr12-52082843-G-C.
Other names: c.706+210G>C (NM_001177984.3, NM_014191.4); c.669G>C, p.Arg223Ser (NM_001369788.1); short protein forms R223S.
Identifiers: ClinVar variation 1191017 (VCV001191017.2), dbSNP rs2138716709, ClinGen allele CA385224724.

ClinVar aggregate classification (germline): Likely pathogenic (1 of 4 stars; one submission).

Submission:

GeneDx
Classification: Likely pathogenic. Last evaluated: 2019-05-06. Review status: criteria provided, single submitter. Criteria: GeneDx Variant Classification Process June 2021. Collection method: clinical testing. Allele origin: germline. Affected: yes.
Comment: Not observed in large population cohorts (Lek et al., 2016); Has not been previously published as pathogenic or benign to our knowledge